The following is an entry in ClinVar:

ClinVar aggregate classification (germline): Pathogenic (3 of 4 stars; one submission).

Conditions:
RPGR-related retinopathy. Also called: RPGR retinopathy. Identifiers: MedGen CN305589, MONDO:0100437.

Submission:

ClinGen X-linked Inherited Retinal Disease Variant Curation Expert Panel, ClinGen
Classification: Pathogenic for RPGR-related retinopathy. Last evaluated: 2026-09-26. Review status: reviewed by expert panel. Criteria: ClinGen X LinkedIRD ACMG Specifications RPGR V1.0.0. Collection method: curation. Allele origin: germline. Inheritance: X-linked inheritance.
Comment: The NM_001034853.2(RPGR):c.28+2T>C variant is a canonical splice site variant in intron 1, located 2 nucleotides before exon 1. This variant occurs at a canonical splice site in intron 1 and is predicted to disrupt splicing and induce skipping of exon 1, which is expected to introduce a premature stop codon in RPGR (PVS1). This variant is found in the +/- 1,2 dinucleotide and meets PVS1 (met) and another variant, c.28+1G>A, was previously classified as pathogenic in the same donor/acceptor +/-1,2 dinucleotide for the RPGR-related retinopathy by ClinGen X-linked IRD VCEP (PS1_supporting). This variant is absent from hemizygous individuals in gnomAD v4.1.0 (PM2_Supporting). This variant has been reported in at least 2 apparently unrelated probands (PMID: 30105367, 36819107). However, the number of individuals meeting the PS4 requirement of being a male with some functional vision impairment by age 30 and/or decreased or absent ERG responses, or a female with functional visual abnormality and documentation of a male relative affected with retinitis pigmentosa was fewer than the requirement of at least 2 unrelated probands, so PS4_Supporting was not met. In summary, this variant is classified as pathogenic for RPGR-related retinopathy based on the ClinGen X-linked Inherited Retinal Disease Expert Panel Specifications to the ACMG/AMP Variant Interpretation Guidelines for RPGR Version 1.0.0: PVS1, PS1_Supporting, and PM2_Supporting.

NM_001034853.2(RPGR):c.28+2T>G

Genes: RPGR (retinitis pigmentosa GTPase regulator; minus strand), LOC130068098 (ATAC-STARR-seq lymphoblastoid silent region 20735; plus strand). Cytogenetic location: Xp11.4.
Variant type: single nucleotide variant.
Coding change: c.28+2T>G on transcript NM_001034853.2 (MANE Select); the canonical splice donor site of the intron after coding-DNA position 28, T replaced by G.
Molecular consequence: splice donor variant.
Genome position (GRCh38, 1-based): chrX:38,327,338, A>C on the plus strand (T>G on the coding strand, the complement: RPGR is on the minus strand). VCF-style: chrX-38327338-A-C. GRCh37 (hg19) VCF-style: chrX-38186591-A-C.
Other names: NM_001034853.2:c.28+2T>G; c.28+2T>G (NM_001367249.1, NM_001367250.1, NM_001367245.1 and 4 more transcripts).
Identifiers: ClinVar variation 4976905 (VCV004976905.1).